The following is an entry in ClinVar:

NM_001242896.3(DEPDC5):c.3101G>A (p.Gly1034Glu)

Gene: DEPDC5 (DEP domain containing 5, GATOR1 subcomplex subunit; plus strand). Cytogenetic location: 22q12.3.
Variant type: single nucleotide variant.
Coding change: c.3101G>A on transcript NM_001242896.3 (MANE Select); coding-DNA position 3101, G replaced by A.
Protein change: p.Gly1034Glu; replaces glycine 1034 with glutamic acid.
Molecular consequence: missense variant. On other transcripts: non-coding transcript variant (5).
Genome position (GRCh38, 1-based): chr22:31,846,913, G>A. VCF-style: chr22-31846913-G-A. GRCh37 (hg19) VCF-style: chr22-32242899-G-A.
Other names: c.3074G>A, p.Gly1025Glu (NM_001136029.4, NM_001369903.1, NM_014662.6); c.2867G>A, p.Gly956Glu (NM_001242897.2, NM_001363854.2, NM_001364319.2); c.3101G>A, p.Gly1034Glu (NM_001363852.2, NM_001364318.2, NM_001364320.2); c.3017G>A, p.Gly1006Glu (NM_001369901.1, NM_001369902.1); short protein forms G1006E, G1025E, G1034E, G956E.
Identifiers: ClinVar variation 3252516 (VCV003252516.1), dbSNP rs2520258688.

ClinVar aggregate classification (germline): Uncertain significance (1 of 4 stars; one submission).

Submission:

GeneDx
Classification: Uncertain significance. Last evaluated: 2023-12-08. Review status: criteria provided, single submitter. Criteria: GeneDx Variant Classification Process June 2021. Collection method: clinical testing. Allele origin: germline. Affected: yes.
Comment: Not observed at significant frequency in large population cohorts (gnomAD); In silico analysis supports that this missense variant does not alter protein structure/function; Has not been previously published as pathogenic or benign to our knowledge